The following is an entry in ClinVar:

NM_006231.4(POLE):c.1226+1G>A

Gene: POLE (DNA polymerase epsilon, catalytic subunit; minus strand). Cytogenetic location: 12q24.33.
Variant type: single nucleotide variant.
Coding change: c.1226+1G>A on transcript NM_006231.4 (MANE Select); the canonical splice donor site of the intron after coding-DNA position 1226, G replaced by A.
Molecular consequence: splice donor variant.
Genome position (GRCh38, 1-based): chr12:132,675,397, C>T on the plus strand (G>A on the coding strand, the complement: POLE is on the minus strand). VCF-style: chr12-132675397-C-T. GRCh37 (hg19) VCF-style: chr12-133251983-C-T.
Identifiers: ClinVar variation 484569 (VCV000484569.13), dbSNP rs778501724, ClinGen allele CA6894045.

ClinVar aggregate classification (germline): Conflicting classifications of pathogenicity. Review status: criteria provided, conflicting classifications (1 of 4 stars). 2 submissions from 2 submitters: Likely pathogenic (1); Uncertain significance (1). Last evaluated 2026-02-05.

Conditions:
Hereditary cancer-predisposing syndrome. Also called: Tumor predisposition; Hereditary Cancer Syndrome; Neoplastic Syndromes, Hereditary; Hereditary neoplastic syndrome. Identifiers: Orphanet 140162, MedGen C0027672, MeSH D009386, MONDO:0015356.

Allele frequency attached by ClinVar (database versions not stated): gnomAD exomes below 0.00001; ExAC 0.00001; gnomAD 0.00001.
gnomAD v4.1: 3 of 1,613,838 alleles (0.00019%); highest among the groups gnomAD compares: South Asian, 0.0022%; no homozygotes.

Submissions (2):

Ambry Genetics
Classification: Uncertain significance for Hereditary cancer-predisposing syndrome. Last evaluated: 2026-02-05. Review status: criteria provided, single submitter. Criteria: Ambry Variant Classification Scheme 2023. Collection method: clinical testing. Allele origin: germline.
Comment: The c.1226+1G>A intronic variant results from a G to A substitution one nucleotide after coding exon 12 of the POLE gene. Variants that disrupt the canonical splice site are expected to result in aberrant splicing. In silico splice site analysis predicts that this alteration will weaken the native splice donor site and may result in the creation or strengthening of a novel splice donor site. A resulting transcript is predicted to be in-frame and is not expected to trigger nonsense-mediated mRNAdecay; although, direct evidence is unavailable. This nucleotide position is highly conserved in available vertebrate species. Based on the available evidence, the clinical significance of this variant remains unclear.

Labcorp Genetics (formerly Invitae), Labcorp
Classification: Likely pathogenic. Last evaluated: 2024-01-12. Review status: criteria provided, single submitter. Criteria: Invitae Variant Classification Sherloc (09022015). Collection method: clinical testing. Allele origin: germline.
Comment: This sequence change affects a donor splice site in intron 12 of the POLE gene. It is expected to disrupt RNA splicing. Variants that disrupt the donor or acceptor splice site typically lead to a loss of protein function (PMID: 16199547), and loss-of-function variants in POLE are known to be pathogenic (PMID: 23230001, 25948378, 30503519). This variant is present in population databases (rs778501724, gnomAD 0.003%). This variant has not been reported in the literature in individuals affected with POLE-related conditions. ClinVar contains an entry for this variant (Variation ID: 484569). Algorithms developed to predict the effect of sequence changes on RNA splicing suggest that this variant may disrupt the consensus splice site. In summary, the currently available evidence indicates that the variant is pathogenic, but additional data are needed to prove that conclusively. Therefore, this variant has been classified as Likely Pathogenic.

Literature cited by the submitters: PubMed 16199547 (cited by Labcorp Genetics (formerly Invitae), Labcorp); PubMed 23230001 (cited by Labcorp Genetics (formerly Invitae), Labcorp); PubMed 25948378 (cited by Labcorp Genetics (formerly Invitae), Labcorp); PubMed 30503519 (cited by Labcorp Genetics (formerly Invitae), Labcorp).